The following is an entry in ClinVar:

ClinVar aggregate classification (germline): Uncertain significance. Review status: criteria provided, multiple submitters, no conflicts (2 of 4 stars). 2 submissions from 2 submitters: Uncertain significance (2). Last evaluated 2023-11-13.

Allele frequency attached by ClinVar (database versions not stated): gnomAD 0.00001.

Submissions (2):

Labcorp Genetics (formerly Invitae), Labcorp
Classification: Uncertain significance. Last evaluated: 2023-11-13. Review status: criteria provided, single submitter. Criteria: Invitae Variant Classification Sherloc (09022015). Collection method: clinical testing. Allele origin: germline.
Comment: This sequence change replaces proline, which is neutral and non-polar, with arginine, which is basic and polar, at codon 499 of the MAGEL2 protein (p.Pro499Arg). This variant is not present in population databases (gnomAD no frequency). This variant has not been reported in the literature in individuals affected with MAGEL2-related conditions. ClinVar contains an entry for this variant (Variation ID: 992333). Advanced modeling of protein sequence and biophysical properties (such as structural, functional, and spatial information, amino acid conservation, physicochemical variation, residue mobility, and thermodynamic stability) has been performed at Invitae for this missense variant, however the output from this modeling did not meet the statistical confidence thresholds required to predict the impact of this variant on MAGEL2 protein function. In summary, the available evidence is currently insufficient to determine the role of this variant in disease. Therefore, it has been classified as a Variant of Uncertain Significance.

Greenwood Genetic Center Diagnostic Laboratories, Greenwood Genetic Center
Classification: Uncertain significance. Last evaluated: 2020-09-17. Review status: criteria provided, single submitter. Criteria: ACMG Guidelines, 2015. Collection method: clinical testing. Allele origin: germline. Affected: yes.

NM_019066.5(MAGEL2):c.1496C>G (p.Pro499Arg)

Gene: MAGEL2 (MAGE family member L2; minus strand). Cytogenetic location: 15q11.2.
Variant type: single nucleotide variant.
Coding change: c.1496C>G on transcript NM_019066.5 (MANE Select); coding-DNA position 1496, C replaced by G.
Protein change: p.Pro499Arg; replaces proline 499 with arginine.
Molecular consequence: missense variant.
Genome position (GRCh38, 1-based): chr15:23,646,247, G>C on the plus strand (C>G on the coding strand, the complement: MAGEL2 is on the minus strand). VCF-style: chr15-23646247-G-C. GRCh37 (hg19) VCF-style: chr15-23891394-G-C.
Other names: short protein forms P499R.
Identifiers: ClinVar variation 992333 (VCV000992333.6), dbSNP rs1890399277, ClinGen allele CA391333924.